The following is an entry in ClinVar:

ClinVar aggregate classification (germline): Pathogenic/Likely pathogenic. Review status: no assertion criteria provided (0 of 4 stars). 2 submissions from 2 submitters: Pathogenic (1); Likely pathogenic (1). Last evaluated 2013-09-01.

Conditions:
Aldosterone-producing adenoma with seizures and neurological abnormalities. Also called: Primary aldosteronism, seizures, and neurologic abnormalities. Identifiers: Orphanet 369929, MedGen C3809609, MONDO:0014200, OMIM 615474.

Submissions (2):

OMIM
Classification: Pathogenic for PRIMARY ALDOSTERONISM, SEIZURES, AND NEUROLOGIC ABNORMALITIES. Last evaluated: 2013-09-01. Review status: no assertion criteria provided. Collection method: literature only. Allele origin: germline.

Richard Lifton Laboratory, Yale University School of Medicine
Classification: Likely pathogenic. Review status: no assertion criteria provided. Collection method: not provided. Allele origin: somatic.
Comment: CACNA1D
ClinVar note: Converted during submission from probable-pathogenic to Likely pathogenic.

Literature cited by the submitters: PubMed 23913001 (cited by OMIM).

NM_001128840.3(CACNA1D):c.2250C>G (p.Ile750Met)

Gene: CACNA1D (calcium voltage-gated channel subunit alpha1 D; plus strand). Cytogenetic location: 3p21.1.
Variant type: single nucleotide variant.
Coding change: c.2250C>G on transcript NM_001128840.3 (MANE Select); coding-DNA position 2250, C replaced by G.
Protein change: p.Ile750Met; replaces isoleucine 750 with methionine.
Molecular consequence: missense variant.
Genome position (GRCh38, 1-based): chr3:53,730,470, C>G. VCF-style: chr3-53730470-C-G. GRCh37 (hg19) VCF-style: chr3-53764497-C-G.
Other names: c.2310C>G, p.Ile770Met (NM_000720.4); c.2250C>G, p.Ile750Met (NM_001128839.3); short protein forms I770M, I750M.
Identifiers: ClinVar variation 66073 (VCV000066073.2), dbSNP rs41276445, ClinGen allele CA144866.
Genomic context (GRCh38, chr3:53,730,470, plus strand): 5'-AGTGTGTTGTGCCCTTAAAAAGTTGAAATTAGATATTCTACTGAATGTCTTCTTGGCCAT[C>G]GCTGTAGACAATTTGGCTGATGCTGAAAGTCTGAACACTGCTCAGAAAGAAGAAGCGGAA-3'
Protein context (NP_001122312.1, residues 740-760): NYILLNVFLA[Ile750Met]AVDNLADAES